The following is an entry in ClinVar:

ClinVar aggregate classification (germline): Uncertain significance (1 of 4 stars; one submission).

Submission:

GeneDx
Classification: Uncertain significance. Last evaluated: 2025-01-03. Review status: criteria provided, single submitter. Criteria: GeneDx Variant Classification Process June 2021. Collection method: clinical testing. Allele origin: germline. Affected: yes.
Comment: Not observed at significant frequency in large population cohorts (gnomAD); In silico analysis supports that this missense variant has a deleterious effect on protein structure/function; Has not been previously published as pathogenic or benign to our knowledge

NM_005045.4(RELN):c.1260G>C (p.Trp420Cys)

Gene: RELN (reelin; minus strand). Cytogenetic location: 7q22.1.
Variant type: single nucleotide variant.
Coding change: c.1260G>C on transcript NM_005045.4 (MANE Select); coding-DNA position 1260, G replaced by C.
Protein change: p.Trp420Cys; replaces tryptophan 420 with cysteine.
Molecular consequence: missense variant.
Genome position (GRCh38, 1-based): chr7:103,682,145, C>G on the plus strand (G>C on the coding strand, the complement: RELN is on the minus strand). VCF-style: chr7-103682145-C-G. GRCh37 (hg19) VCF-style: chr7-103322592-C-G.
Other names: c.1260G>C, p.Trp420Cys (NM_173054.3); short protein forms W420C.
Identifiers: ClinVar variation 4055932 (VCV004055932.1).
Genomic context (GRCh38, chr7:103,682,145, plus strand): 5'-ATACACAGCATGGGAGATAGCAATTACTTACCCTGTAGGCTGGCTCTCAAATTCTTCTGA[C>G]CATTGCTCTTGAATATCTTCTGTGGAAAGATCTACATCCCTGGTGGTGGCAAAATTGAAC-3'
Protein context (NP_005036.2, residues 410-430): DLSTEDIQEQ[Trp420Cys]SEEFESQPTG